The following is an entry in ClinVar:

NM_021115.5(SEZ6L):c.778G>T (p.Glu260Ter)

Gene: SEZ6L (seizure related 6 homolog like; plus strand). Cytogenetic location: 22q12.1.
Variant type: single nucleotide variant.
Coding change: c.778G>T on transcript NM_021115.5 (MANE Select); coding-DNA position 778, G replaced by T.
Protein change: p.Glu260Ter; replaces glutamic acid 260 with a stop codon.
Molecular consequence: nonsense.
Genome position (GRCh38, 1-based): chr22:26,293,089, G>T. VCF-style: chr22-26293089-G-T. GRCh37 (hg19) VCF-style: chr22-26689055-G-T.
Other names: c.778G>T, p.Glu260Ter (NM_001184773.2, NM_001184774.2, NM_001184775.2 and 2 more transcripts); short protein forms E260*.
Identifiers: ClinVar variation 161554 (VCV000161554.2), dbSNP rs193920876, ClinGen allele CA174328.
Genomic context (GRCh38, chr22:26,293,089, plus strand): 5'-ATGGCCCTGATGGACAAAGGTGAGAATGAGCTGACTGGGTCAGCCTCAGAGGAGAGCCAG[G>T]AGACCACTACCTCCACCATTATCACCACCACGGTCATCACCACCGAGCAGGCACCAGGTA-3'

ClinVar aggregate classification (germline): Uncertain significance (0 of 4 stars; one submission).

Conditions:
Prostate cancer. Also called: Malignant tumor of prostate. Identifiers: Orphanet 1331, MedGen C0376358, MONDO:0008315, HP:0012125.

Submission:

Science for Life laboratory,  Karolinska Institutet
Classification: Uncertain significance for Malignant tumor of prostate. Review status: no assertion criteria provided. Collection method: not provided. Allele origin: somatic.
Comment: TumorID:SWE-17
ClinVar note: Converted during submission from Unknown to Uncertain significance.